The following is an entry in ClinVar:

NM_001393504.1(MAST3):c.2106A>T (p.Glu702Asp)

Gene: MAST3 (microtubule associated serine/threonine kinase 3; plus strand). Cytogenetic location: 19p13.11.
Variant type: single nucleotide variant.
Coding change: c.2106A>T on transcript NM_001393504.1 (MANE Select); coding-DNA position 2106, A replaced by T.
Protein change: p.Glu702Asp; replaces glutamic acid 702 with aspartic acid.
Molecular consequence: missense variant.
Genome position (GRCh38, 1-based): chr19:18,139,025, A>T. VCF-style: chr19-18139025-A-T. GRCh37 (hg19) VCF-style: chr19-18249835-A-T.
Other names: c.2130A>T, p.Glu710Asp (NM_001393501.1); c.2109A>T, p.Glu703Asp (NM_001393502.1); c.2106A>T, p.Glu702Asp (NM_001393503.1); c.2103A>T, p.Glu701Asp (NM_001393505.1); c.2058A>T, p.Glu686Asp (NM_001393506.1, NM_001393513.1); c.2085A>T, p.Glu695Asp (NM_001393507.1); c.2040A>T, p.Glu680Asp (NM_001393508.1, NM_001393516.1); c.2037A>T, p.Glu679Asp (NM_001393509.1, NM_001393510.1, NM_001393512.1 and 2 more transcripts); and 4 more; short protein forms E680D, E701D, E664D, E672D, E673D, E679D, E686D, E695D.
Identifiers: ClinVar variation 4525980 (VCV004525980.1).

ClinVar aggregate classification (germline): Uncertain significance (1 of 4 stars; one submission).

gnomAD v4.1: 4 of 1,591,730 alleles (0.00025%); highest among the groups gnomAD compares: South Asian, 0.0011%; no homozygotes.

Submission:

Women's Health and Genetics/Laboratory Corporation of America, LabCorp
Classification: Uncertain significance. Last evaluated: 2025-07-11. Review status: criteria provided, single submitter. Criteria: LabCorp Variant Classification Summary - May 2015. Collection method: clinical testing. Allele origin: germline.
Comment: Variant summary: MAST3 c.2019A>T (p.Glu673Asp) results in a conservative amino acid change in the encoded protein sequence. Algorithms developed to predict the effect of missense changes on protein structure and function are either unavailable or do not agree on the potential impact of this missense change. The variant allele was found at a frequency of 4.6e-06 in 217038 control chromosomes. The available data on variant occurrences in the general population are insufficient to allow any conclusion about variant significance. To our knowledge, no occurrence of c.2019A>T in individuals affected with Developmental And Epileptic Encephalopathy 108 and no experimental evidence demonstrating its impact on protein function have been reported. No submitters have cited clinical-significance assessments for this variant to ClinVar. Based on the evidence outlined above, the variant was classified as uncertain significance.